The following is an entry in ClinVar:

NM_033198.4(PIGS):c.216G>A (p.Glu72=)

Gene: PIGS (phosphatidylinositol glycan anchor biosynthesis class S; minus strand). Cytogenetic location: 17q11.2.
Variant type: single nucleotide variant.
Coding change: c.216G>A on transcript NM_033198.4 (MANE Select); coding-DNA position 216, G replaced by A.
Protein change: p.Glu72=; no amino-acid change (glutamic acid 72 retained).
Molecular consequence: synonymous variant.
Genome position (GRCh38, 1-based): chr17:28,570,922, C>T on the plus strand (G>A on the coding strand, the complement: PIGS is on the minus strand). VCF-style: chr17-28570922-C-T. GRCh37 (hg19) VCF-style: chr17-26897940-C-T.
Identifiers: ClinVar variation 4681614 (VCV004681614.6).

ClinVar aggregate classification (germline): Likely benign. Review status: criteria provided, multiple submitters, no conflicts (2 of 4 stars). 2 submissions from 2 submitters: Likely benign (2). Last evaluated 2025-12-01.

gnomAD v4.1: 9 of 1,614,224 alleles (0.00056%); highest among the groups gnomAD compares: South Asian, 0.0044%; no homozygotes.

Submissions (2):

CeGaT Center for Human Genetics Tuebingen
Classification: Likely benign. Last evaluated: 2025-12-01. Review status: criteria provided, single submitter. Criteria: CeGaT Center For Human Genetics Tuebingen Variant Classification Criteria Version 2. Collection method: clinical testing. Allele origin: germline. Affected: yes. Observed: 1 variant allele.
Comment: PIGS: BP4, BP7

Blueprint Genetics
Classification: Likely benign. Last evaluated: 2020-03-26. Review status: criteria provided, single submitter. Criteria: ACMG Guidelines, 2015. Collection method: clinical testing. Allele origin: germline.